The following is an entry in ClinVar:

ClinVar aggregate classification (germline): Uncertain significance. Review status: criteria provided, multiple submitters, no conflicts (2 of 4 stars). 2 submissions from 2 submitters: Uncertain significance (2). Last evaluated 2023-07-23.

Submissions (2):

Labcorp Genetics (formerly Invitae), Labcorp
Classification: Uncertain significance. Last evaluated: 2023-07-23. Review status: criteria provided, single submitter. Criteria: Invitae Variant Classification Sherloc (09022015). Collection method: clinical testing. Allele origin: germline.
Comment: In summary, the available evidence is currently insufficient to determine the role of this variant in disease. Therefore, it has been classified as a Variant of Uncertain Significance. ClinVar contains an entry for this variant (Variation ID: 1497227). This variant has not been reported in the literature in individuals affected with RECQL-related conditions. This variant is not present in population databases (gnomAD no frequency). This sequence change creates a premature translational stop signal (p.Tyr418*) in the RECQL gene. It is expected to result in an absent or disrupted protein product. However, the current clinical and genetic evidence is not sufficient to establish whether loss-of-function variants in RECQL cause disease.

Ambry Genetics
Classification: Uncertain significance. Last evaluated: 2023-03-06. Review status: criteria provided, single submitter. Criteria: Ambry Variant Classification Scheme 2023. Collection method: clinical testing. Allele origin: germline.
Comment: The p.Y418* variant (also known as c.1254C>A), located in coding exon 10 of the RECQL gene, results from a C to A substitution at nucleotide position 1254. This changes the amino acid from a tyrosine to a stop codon within coding exon 10. This alteration is expected to result in premature protein truncation or nonsense-mediated mRNA decay. However, the gene-disease association for RECQL is limited. Since supporting evidence is limited at this time, the clinical significance of this alteration remains unclear.

NM_002907.4(RECQL):c.1254C>A (p.Tyr418Ter)

Gene: RECQL (RecQ like helicase; minus strand). Cytogenetic location: 12p12.1.
Variant type: single nucleotide variant.
Coding change: c.1254C>A on transcript NM_002907.4 (MANE Select); coding-DNA position 1254, C replaced by A.
Protein change: p.Tyr418Ter; replaces tyrosine 418 with a stop codon.
Molecular consequence: nonsense.
Genome position (GRCh38, 1-based): chr12:21,474,942, G>T on the plus strand (C>A on the coding strand, the complement: RECQL is on the minus strand). VCF-style: chr12-21474942-G-T. GRCh37 (hg19) VCF-style: chr12-21627876-G-T.
Other names: c.1254C>A, p.Tyr418Ter (NM_032941.3); short protein forms Y418*.
Identifiers: ClinVar variation 1497227 (VCV001497227.8), dbSNP rs1227196235, ClinGen allele CA384118784.
Genomic context (GRCh38, chr12:21,474,942, plus strand): 5'-CTGCTGTCCCACATTTTCCATCACCACCATTGAACTTATTCTGAATATATCTCCAAAGCC[G>T]TAGTACAAAATACAGTCTGCTTTCATGTCATCTCGACCTGTGGTGTGAGAAACCTTGAGA-3'